The following is an entry in ClinVar:

NM_005535.3(IL12RB1):c.1573G>A (p.Ala525Thr)

Gene: IL12RB1 (interleukin 12 receptor subunit beta 1; minus strand). Cytogenetic location: 19p13.11.
Variant type: single nucleotide variant.
Coding change: c.1573G>A on transcript NM_005535.3 (MANE Select); coding-DNA position 1573, G replaced by A.
Protein change: p.Ala525Thr; replaces alanine 525 with threonine.
Molecular consequence: missense variant.
Genome position (GRCh38, 1-based): chr19:18,063,921, C>T on the plus strand (G>A on the coding strand, the complement: IL12RB1 is on the minus strand). VCF-style: chr19-18063921-C-T. GRCh37 (hg19) VCF-style: chr19-18174731-C-T.
Other names: c.1573G>A, p.Ala525Thr (NM_001290023.2); c.1693G>A, p.Ala565Thr (NM_001290024.2); short protein forms A525T, A565T.
Identifiers: ClinVar variation 235221 (VCV000235221.27), dbSNP rs11575935, ClinGen allele CA9304792.
Genomic context (GRCh38, chr19:18,063,921, plus strand): 5'-ACCCCCTCCACTCACCGATGCTGAAGCGCTGGGGCTGGCTCCAGACACCCCTCAGCCACG[C>T]TGTGTCTGCTCGCACCTGCACCGTGTAGGCTACACCAGCCCGCAGGCCACTGAGGGTAAC-3'
Protein context (NP_005526.1, residues 515-535): AYTVQVRADT[Ala525Thr]WLRGVWSQPQ

ClinVar aggregate classification (germline): Benign/Likely benign. Review status: criteria provided, multiple submitters, no conflicts (2 of 4 stars). 8 submissions from 8 submitters: Benign (5); Likely benign (3). Last evaluated 2026-06-01.

Conditions:
Mendelian susceptibility to mycobacterial diseases due to complete IL12RB1 deficiency. Also called: IL12RB1 DEFICIENCY; Immunodeficiency 30. Identifiers: Orphanet 319552, MedGen C4013949, MONDO:0013955, OMIM 614891.

Allele frequency attached by ClinVar (database versions not stated): ESP Exome Variant Server 0.00405; gnomAD exomes 0.00489 and 0.01110; gnomAD 0.00494 and 0.00643; TOPMed 0.00655; ExAC 0.01171; 1000 Genomes Project 30x 0.01952; 1000 Genomes Project 0.01957.
gnomAD v4.1: 8,389 of 1,613,430 alleles (0.52%); highest among the groups gnomAD compares: East Asian, 4%; 167 homozygotes.

Submissions (8):

CeGaT Center for Human Genetics Tuebingen
Classification: Likely benign. Last evaluated: 2026-06-01. Review status: criteria provided, single submitter. Criteria: CeGaT Center For Human Genetics Tuebingen Variant Classification Criteria Version 2. Collection method: clinical testing. Allele origin: germline. Affected: yes. Observed: 2 variant alleles.
Comment: IL12RB1: BP4

Labcorp Genetics (formerly Invitae), Labcorp
Classification: Benign for Mendelian susceptibility to mycobacterial diseases due to complete IL12RB1 deficiency. Last evaluated: 2026-02-01. Review status: criteria provided, single submitter. Criteria: Invitae Variant Classification Sherloc (09022015). Collection method: clinical testing. Allele origin: germline.

Genomic Medicine Center of Excellence, King Faisal Specialist Hospital and Research Centre
Classification: Likely benign. Last evaluated: 2025-08-18. Review status: criteria provided, single submitter. Criteria: ACMG Guidelines, 2015. Collection method: clinical testing. Allele origin: germline.

Fulgent Genetics
Classification: Likely benign for Mendelian susceptibility to mycobacterial diseases due to complete IL12RB1 deficiency. Last evaluated: 2022-04-20. Review status: criteria provided, single submitter. Criteria: ACMG Guidelines, 2015. Collection method: clinical testing. Allele origin: unknown.

GeneDx
Classification: Benign. Last evaluated: 2020-02-18. Review status: criteria provided, single submitter. Criteria: GeneDx Variant Classification Process June 2021. Collection method: clinical testing. Allele origin: germline. Affected: yes.
Comment: This variant is associated with the following publications: (PMID: 31367980)

Illumina Laboratory Services, Illumina
Classification: Benign for Mendelian susceptibility to mycobacterial diseases due to complete IL12RB1 deficiency. Last evaluated: 2018-01-12. Review status: criteria provided, single submitter. Criteria: ICSL Variant Classification Criteria 13 December 2019. Collection method: clinical testing. Allele origin: germline.
Comment: This variant was observed in the ICSL laboratory as part of a predisposition screen in an ostensibly healthy population. It had not been previously curated by ICSL or reported in the Human Gene Mutation Database (HGMD: prior to June 1st, 2018), and was therefore a candidate for classification through an automated scoring system. Utilizing variant allele frequency, disease prevalence and penetrance estimates, and inheritance mode, an automated score was calculated to assess if this variant is too frequent to cause the disease. Based on the score and internal cut-off values, a variant classified as benign is not then subjected to further curation. The score for this variant resulted in a classification of benign for this disease.

Center for Pediatric Genomic Medicine, Children's Mercy Hospital and Clinics
Classification: Benign. Last evaluated: 2015-12-22. Review status: criteria provided, single submitter. Criteria: ACMG Guidelines, 2015. Collection method: clinical testing. Allele origin: germline.

Breakthrough Genomics
Classification: Benign. Review status: criteria provided, single submitter. Criteria: ACMG Guidelines, 2015. Collection method: not provided. Allele origin: germline. Inheritance: Autosomal recessive inheritance. Affected: yes.